The following is an entry in ClinVar:

NM_001734.5(C1S):c.304C>T (p.Pro102Ser)

Gene: C1S (complement C1s; plus strand). Cytogenetic location: 12p13.31.
Variant type: single nucleotide variant.
Coding change: c.304C>T on transcript NM_001734.5 (MANE Select); coding-DNA position 304, C replaced by T.
Protein change: p.Pro102Ser; replaces proline 102 with serine.
Molecular consequence: missense variant. On other transcripts: 5 prime UTR variant (1).
Genome position (GRCh38, 1-based): chr12:7,062,980, C>T. VCF-style: chr12-7062980-C-T. GRCh37 (hg19) VCF-style: chr12-7170284-C-T.
Other names: c.-198C>T (NM_001346850.2); c.304C>T, p.Pro102Ser (NM_201442.4); short protein forms P102S.
Identifiers: ClinVar variation 4768573 (VCV004768573.1).
Genomic context (GRCh38, chr12:7,062,980, plus strand): 5'-CTCTGTGGACAGAGGAGCAGTAACAATCCCCACTCTCCAATTGTGGAAGAGTTCCAAGTC[C>T]CATACAACAAACTCCAGGTGATCTTTAAGTCAGACTTTTCCAATGAAGAGCGTTTTACGG-3'
Protein context (NP_001725.1, residues 92-112): HSPIVEEFQV[Pro102Ser]YNKLQVIFKS

ClinVar aggregate classification (germline): Uncertain significance (1 of 4 stars; one submission).

Submission:

Labcorp Genetics (formerly Invitae), Labcorp
Classification: Uncertain significance. Last evaluated: 2025-10-15. Review status: criteria provided, single submitter. Criteria: Invitae Variant Classification Sherloc (09022015). Collection method: clinical testing. Allele origin: germline.
Comment: This sequence change replaces proline, which is neutral and non-polar, with serine, which is neutral and polar, at codon 102 of the C1S protein (p.Pro102Ser). This variant is present in population databases (rs782507009, gnomAD 0.0009%). This variant has not been reported in the literature in individuals affected with C1S-related conditions. Invitae Evidence Modeling of protein sequence and biophysical properties (such as structural, functional, and spatial information, amino acid conservation, physicochemical variation, residue mobility, and thermodynamic stability) indicates that this missense variant is not expected to disrupt C1S protein function with a negative predictive value of 80%. In summary, the available evidence is currently insufficient to determine the role of this variant in disease. Therefore, it has been classified as a Variant of Uncertain Significance.